The following is an entry in ClinVar:

NM_025144.4(ALPK1):c.1924_1925inv (p.His642Cys)

Gene: ALPK1 (alpha kinase 1; plus strand). Cytogenetic location: 4q25.
Variant type: Inversion.
Coding change: c.1924_1925inv on transcript NM_025144.4 (MANE Select).
Protein change: p.His642Cys; replaces histidine 642 with cysteine.
Molecular consequence: missense variant.
Genome position: GRCh38 VCF-style: chr4-112431471-CA-TG. GRCh37 (hg19) VCF-style: chr4-113352627-CA-TG.
Other names: c.1924_1925inv, p.His642Cys (NM_001102406.2); c.1690_1691inv, p.His564Cys (NM_001253884.2); short protein forms H642C, H564C.
Identifiers: ClinVar variation 1913578 (VCV001913578.5), ClinGen allele CA2580071360.
Genomic context (GRCh38, chr4:112,431,471, plus strand): 5'-TCCACTGCCTTGTCTGAGGAGCTAGAGAATGACAGGGAAGGCAGAGCTATGCATTCATTG[CA>TG]TTCACAGCTTCATGATCTCTCTCTTCAGGAACCCAACAATGACAATTTGGAGCCTTCTCA-3'
Protein context (NP_079420.3, residues 632-652): DREGRAMHSL[His642Cys]SQLHDLSLQE

ClinVar aggregate classification (germline): Uncertain significance (1 of 4 stars; one submission).

Submission:

Labcorp Genetics (formerly Invitae), Labcorp
Classification: Uncertain significance. Last evaluated: 2025-10-21. Review status: criteria provided, single submitter. Criteria: Invitae Variant Classification Sherloc (09022015). Collection method: clinical testing. Allele origin: germline.
Comment: This sequence change replaces histidine, which is basic and polar, with cysteine, which is neutral and slightly polar, at codon 642 of the ALPK1 protein (p.His642Cys). The frequency data for this variant in the population databases is considered unreliable, as metrics indicate poor data quality at this position in the gnomAD database. This variant has not been reported in the literature in individuals affected with ALPK1-related conditions. ClinVar contains an entry for this variant (Variation ID: 1913578). An algorithm developed to predict the effect of missense changes on protein structure and function (PolyPhen-2) suggests that this variant is likely to be tolerated. In summary, the available evidence is currently insufficient to determine the role of this variant in disease. Therefore, it has been classified as a Variant of Uncertain Significance.